The following is an entry in ClinVar:

ClinVar aggregate classification (germline): Likely benign. Review status: criteria provided, multiple submitters, no conflicts (2 of 4 stars). 2 submissions from 2 submitters: Likely benign (2). Last evaluated 2024-10-04.

Conditions:
Lethal congenital glycogen storage disease of heart. Also called: GLYCOGEN STORAGE DISEASE OF HEART; PHOSPHORYLASE KINASE DEFICIENCY OF HEART. Identifiers: Orphanet 439854, MedGen C1849813, MONDO:0009867, OMIM 261740.
Hypertrophic cardiomyopathy. Also called: HYPERTROPHIC MYOCARDIOPATHY. Identifiers: Orphanet 217569, MedGen C0007194, MeSH D002312, MONDO:0005045, HP:0001639.

gnomAD v4.1: 1 of 1,609,620 alleles (0.000062%); highest among the groups gnomAD compares: East Asian, 0.0022%; no homozygotes.

Submissions (2):

Labcorp Genetics (formerly Invitae), Labcorp
Classification: Likely benign for Lethal congenital glycogen storage disease of heart. Last evaluated: 2024-10-04. Review status: criteria provided, single submitter. Criteria: Invitae Variant Classification Sherloc (09022015). Collection method: clinical testing. Allele origin: germline.

All of Us Research Program, National Institutes of Health
Classification: Likely benign for Hypertrophic cardiomyopathy. Last evaluated: 2023-09-17. Review status: criteria provided, single submitter. Criteria: ACMG Guidelines, 2015. Collection method: clinical testing. Allele origin: germline. Inheritance: Autosomal dominant inheritance. Observed: 1 variant allele, 1 heterozygote.
Comment: This study involves interpretation of variants in research participants for the purpose of population health screening. Participant phenotype was not available at the time of variant classification. Additional details can be found in publication PMID: 35346344, PMCID: PMC8962531

NM_016203.4(PRKAG2):c.66C>A (p.Gly22=)

Gene: PRKAG2 (protein kinase AMP-activated non-catalytic subunit gamma 2; minus strand). Cytogenetic location: 7q36.1.
Variant type: single nucleotide variant.
Coding change: c.66C>A on transcript NM_016203.4 (MANE Select); coding-DNA position 66, C replaced by A.
Protein change: p.Gly22=; no amino-acid change (glycine 22 retained).
Molecular consequence: synonymous variant.
Genome position (GRCh38, 1-based): chr7:151,876,555, G>T on the plus strand (C>A on the coding strand, the complement: PRKAG2 is on the minus strand). VCF-style: chr7-151876555-G-T. GRCh37 (hg19) VCF-style: chr7-151573640-G-T.
Other names: c.66C>A, p.Gly22= (NM_001407021.1, NM_001407022.1, NM_001407023.1 and 2 more transcripts).
Identifiers: ClinVar variation 3073401 (VCV003073401.3), dbSNP rs730880971, ClinGen allele CA458679861.
Genomic context (GRCh38, chr7:151,876,555, plus strand): 5'-GCTGGGACTCACCGGAATGTGCACGCGCAGCGAACGCCTCTTCTGGCTGGCATTTTTCTT[G>T]CCGCCGCTCCCGCCGGGGCTGGAAACATCTTTTTTCTTCTTGGTGTCCATAACCGCGCTT-3'
Protein context (NP_057287.2, residues 12-32): KDVSSPGGSG[Gly22=]KKNASQKRRS